The following is an entry in ClinVar:

NM_014215.3(INSRR):c.3789G>A (p.Pro1263=)

Genes: INSRR (insulin receptor related receptor; minus strand), NTRK1 (neurotrophic receptor tyrosine kinase 1; plus strand). Cytogenetic location: 1q23.1.
Variant type: single nucleotide variant.
Coding change: c.3789G>A on transcript NM_014215.3 (MANE Select); coding-DNA position 3789, G replaced by A.
Protein change: p.Pro1263=; no amino-acid change (proline 1263 retained).
Molecular consequence: synonymous variant. On other transcripts: intron variant (1).
Genome position (GRCh38, 1-based): chr1:156,840,978, C>T on the plus strand (G>A on the coding strand, the complement: INSRR is on the minus strand). VCF-style: chr1-156840978-C-T. GRCh37 (hg19) VCF-style: chr1-156810770-C-T.
Other names: c.10-1103C>T (NM_001007792.1).
Identifiers: ClinVar variation 1675386 (VCV001675386.32), dbSNP rs370144321, ClinGen allele CA1167543.
Genomic context (GRCh38, chr1:156,840,978, plus strand): 5'-GGGTGAGGAGTCAGGCTCTGCATCGGTGGTAGGCAGGGAGCCCCGGGCCCCCCGGCATTC[C>T]GGGCTGTAGTAGAAGGAGAGGAGGCGGAAGGAGGGCCGCAGCTCCTCCTGTATGCTGTCC-3'
Protein context (NP_055030.1, residues 1253-1273): SFRLLSFYYS[Pro1263=]ECRGARGSLP

ClinVar aggregate classification (germline): Likely benign (1 of 4 stars; one submission).

Allele frequency attached by ClinVar (database versions not stated): ESP Exome Variant Server 0.00008; ExAC 0.00002.
gnomAD v4.1: 99 of 1,613,514 alleles (0.0061%); highest among the groups gnomAD compares: Admixed American, 0.013%; no homozygotes.

Submission:

CeGaT Center for Human Genetics Tuebingen
Classification: Likely benign. Last evaluated: 2022-03-01. Review status: criteria provided, single submitter. Criteria: CeGaT Center For Human Genetics Tuebingen Variant Classification Criteria Version 2. Collection method: clinical testing. Allele origin: germline. Affected: yes. Observed: 1 variant allele.
Comment: INSRR: BP4, BP7